The following is an entry in ClinVar:

NM_024642.5(GALNT12):c.1669G>A (p.Asp557Asn)

Gene: GALNT12 (polypeptide N-acetylgalactosaminyltransferase 12; plus strand). Cytogenetic location: 9q22.33.
Variant type: single nucleotide variant.
Coding change: c.1669G>A on transcript NM_024642.5 (MANE Select); coding-DNA position 1669, G replaced by A.
Protein change: p.Asp557Asn; replaces aspartic acid 557 with asparagine.
Molecular consequence: missense variant.
Genome position (GRCh38, 1-based): chr9:98,849,015, G>A. VCF-style: chr9-98849015-G-A. GRCh37 (hg19) VCF-style: chr9-101611297-G-A.
Other names: short protein forms D557N.
Identifiers: ClinVar variation 1777633 (VCV001777633.2), dbSNP rs1183987598, ClinGen allele CA374223045.

ClinVar aggregate classification (germline): Uncertain significance (1 of 4 stars; one submission).

Allele frequency attached by ClinVar (database versions not stated): gnomAD exomes below 0.00001.
gnomAD v4.1: 1 of 1,614,168 alleles (0.000062%); highest among the groups gnomAD compares: Non-Finnish European, 0.000085%; no homozygotes.

Submission:

Ambry Genetics
Classification: Uncertain significance. Last evaluated: 2022-04-20. Review status: criteria provided, single submitter. Criteria: Ambry Variant Classification Scheme 2023. Collection method: clinical testing. Allele origin: germline.
Comment: The p.D557N variant (also known as c.1669G>A), located in coding exon 10 of the GALNT12 gene, results from a G to A substitution at nucleotide position 1669. The aspartic acid at codon 557 is replaced by asparagine, an amino acid with highly similar properties. This amino acid position is conserved. In addition, this alteration is predicted to be tolerated by in silico analysis. Since supporting evidence is limited at this time, the clinical significance of this alteration remains unclear.